The following is an entry in ClinVar:

ClinVar aggregate classification (germline): Uncertain significance (1 of 4 stars; one submission).

Conditions:
Cardiomyopathy (CMYO). Also called: Cardiomyopathies. Identifiers: Orphanet 167848, MedGen C0878544, MONDO:0004994, HP:0001638. Inheritance: Various modes of inheritance.

Submission:

Color Diagnostics, LLC DBA Color Health
Classification: Uncertain significance for Cardiomyopathy. Last evaluated: 2023-12-05. Review status: criteria provided, single submitter. Criteria: ACMG Guidelines, 2015. Collection method: clinical testing. Allele origin: germline.
Comment: Variant of Uncertain Significance due to insufficient evidence: This missense variant is located in the extracellular cadherin domain 2 of the DSC2 protein. Computational prediction tools and conservation analyses suggest that this variant may not impact the protein function. Computational splicing tools suggest that this variant may not impact RNA splicing. To our knowledge, functional assays have not been performed for this variant nor has this variant been reported in individuals affected with cardiovascular disorders in the literature. This variant is rare in the general population and has been identified in 0/277264 chromosomes by the Genome Aggregation Database (gnomAD). Available evidence is insufficient to determine the pathogenicity of this variant conclusively.

NM_024422.6(DSC2):c.1037A>T (p.Asp346Val)

Gene: DSC2 (desmocollin 2; minus strand). Cytogenetic location: 18q12.1.
Variant type: single nucleotide variant.
Coding change: c.1037A>T on transcript NM_024422.6 (MANE Select); coding-DNA position 1037, A replaced by T.
Protein change: p.Asp346Val; replaces aspartic acid 346 with valine.
Molecular consequence: missense variant.
Genome position (GRCh38, 1-based): chr18:31,082,966, T>A on the plus strand (A>T on the coding strand, the complement: DSC2 is on the minus strand). VCF-style: chr18-31082966-T-A. GRCh37 (hg19) VCF-style: chr18-28662932-T-A.
Other names: c.1037A>T, p.Asp346Val (NM_004949.5); short protein forms D346V.
Identifiers: ClinVar variation 629709 (VCV000629709.4), dbSNP rs1567978310, ClinGen allele CA402110504.